The following is an entry in ClinVar:

ClinVar aggregate classification (germline): Uncertain significance. Review status: criteria provided, multiple submitters, no conflicts (2 of 4 stars). 4 submissions from 4 submitters: Uncertain significance (3). 1 of the submissions does not count toward it. Last evaluated 2025-10-01.

Conditions:
TH-deficient dopa-responsive dystonia. Also called: DYT-TH; Segawa syndrome, autosomal recessive; Tyrosine Hydroxylase-Deficient Dopa-Responsive Dystonia. Identifiers: Orphanet 101150, MedGen C2673535, MONDO:0011551, OMIM 605407.

Allele frequency attached by ClinVar (database versions not stated): ESP Exome Variant Server 0.00008; TOPMed 0.00006.
gnomAD v4.1: 126 of 1,612,666 alleles (0.0078%); highest among the groups gnomAD compares: South Asian, 0.0066%; no homozygotes.

Submissions (4):

GeneDx
Classification: Uncertain significance. Last evaluated: 2025-10-01. Review status: criteria provided, single submitter. Criteria: GeneDx Variant Classification Process June 2021. Collection method: clinical testing. Allele origin: germline. Affected: yes.
Comment: In silico analysis suggests that this missense variant does not alter protein structure/function; Has not been previously published as pathogenic or benign to our knowledge

Labcorp Genetics (formerly Invitae), Labcorp
Classification: Uncertain significance for TH-deficient dopa-responsive dystonia. Last evaluated: 2022-06-09. Review status: criteria provided, single submitter. Criteria: Invitae Variant Classification Sherloc (09022015). Collection method: clinical testing. Allele origin: germline.
Comment: This sequence change replaces arginine, which is basic and polar, with histidine, which is basic and polar, at codon 15 of the TH protein (p.Arg15His). This variant is present in population databases (rs199648386, gnomAD 0.2%). This variant has not been reported in the literature in individuals affected with TH-related conditions. ClinVar contains an entry for this variant (Variation ID: 304086). Algorithms developed to predict the effect of missense changes on protein structure and function are either unavailable or do not agree on the potential impact of this missense change (SIFT: "Deleterious"; PolyPhen-2: "Probably Damaging"; Align-GVGD: "Class C0"). In summary, the available evidence is currently insufficient to determine the role of this variant in disease. Therefore, it has been classified as a Variant of Uncertain Significance.

Illumina Laboratory Services, Illumina
Classification: Uncertain significance for TH-deficient dopa-responsive dystonia. Last evaluated: 2018-01-13. Review status: criteria provided, single submitter. Criteria: ICSL Variant Classification Criteria 13 December 2019. Collection method: clinical testing. Allele origin: germline.

Natera, Inc.
Classification: Uncertain significance for Autosomal recessive Segawa syndrome. Last evaluated: 2019-12-16. Review status: no assertion criteria provided. Collection method: clinical testing. Allele origin: germline. Not counted in ClinVar's aggregate classification.

NM_000360.4(TH):c.44G>A (p.Arg15His)

Gene: TH (tyrosine hydroxylase; minus strand). Cytogenetic location: 11p15.5.
Variant type: single nucleotide variant.
Coding change: c.44G>A on transcript NM_000360.4 (MANE Select); coding-DNA position 44, G replaced by A.
Protein change: p.Arg15His; replaces arginine 15 with histidine.
Molecular consequence: missense variant.
Genome position (GRCh38, 1-based): chr11:2,171,743, C>T on the plus strand (G>A on the coding strand, the complement: TH is on the minus strand). VCF-style: chr11-2171743-C-T. GRCh37 (hg19) VCF-style: chr11-2192973-C-T.
Other names: c.44G>A, p.Arg15His (NM_199292.3, NM_199293.3); short protein forms R15H.
Identifiers: ClinVar variation 304086 (VCV000304086.14), dbSNP rs199648386, ClinGen allele CA5818880.